The following is an entry in ClinVar:

ClinVar aggregate classification (germline): Pathogenic/Likely pathogenic. Review status: criteria provided, multiple submitters, no conflicts (2 of 4 stars). 13 submissions from 9 submitters: Pathogenic (2); Likely pathogenic (3). 8 of the submissions do not count toward it. Last evaluated 2026-01-12.

Conditions:
Asphyxiating thoracic dystrophy 3. Also called: Short rib polydactyly syndrome 2B; SHORT-RIB THORACIC DYSPLASIA 3 WITH OR WITHOUT POLYDACTYLY; POLYDACTYLY WITH NEONATAL CHONDRODYSTROPHY, TYPE I; SHORT-RIB THORACIC DYSPLASIA 3/6 WITH POLYDACTYLY, DIGENIC; Saldino-Noonan Syndrome. Identifiers: Orphanet 474, Orphanet 93269, Orphanet 93270, Orphanet 93271, MedGen C0036069, MONDO:0013127, OMIM 613091.
Jeune thoracic dystrophy. Also called: Jeune syndrome; Infantile thoracic dystrophy; Thoracic pelvic phalangeal dystrophy; Jeune's syndrome; Chondroectodermal dysplasia-like syndrome; Short-rib thoracic dysplasia. Identifiers: Orphanet 474, MedGen C0265275, MONDO:0018770.
Short-rib thoracic dysplasia 6 with or without polydactyly (SRTD6). Also called: POLYDACTYLY WITH NEONATAL CHONDRODYSTROPHY, TYPE II; SHORT-RIB THORACIC DYSPLASIA 6 WITH POLYDACTYLY; SHORT-RIB THORACIC DYSPLASIA 6 WITHOUT POLYDACTYLY; Majewski Syndrome; SHORT RIB-POLYDACTYLY SYNDROME, TYPE IIA. Identifiers: MedGen C0024507, MONDO:0009894, OMIM 263520.

Allele frequency attached by ClinVar (database versions not stated): gnomAD exomes 0.00002 and 0.00009; ExAC 0.00004; gnomAD 0.00006 and 0.00007; TOPMed 0.00006.
gnomAD v4.1: 132 of 1,549,064 alleles (0.0085%); highest among the groups gnomAD compares: Non-Finnish European, 0.011%; no homozygotes.

Submissions (13):

Department of Genetics, Rouen University Hospital, Normandy Center for Genomic and Personalized Medicine
Classification: Pathogenic for Asphyxiating thoracic dystrophy 3. Last evaluated: 2026-01-12. Review status: criteria provided, single submitter. Criteria: ACMG Guidelines, 2015. Collection method: clinical testing. Allele origin: paternal. Affected: yes.

Labcorp Genetics (formerly Invitae), Labcorp
Classification: Pathogenic for Jeune thoracic dystrophy. Last evaluated: 2026-01-09. Review status: criteria provided, single submitter. Criteria: Invitae Variant Classification Sherloc (09022015). Collection method: clinical testing. Allele origin: germline.
Comment: This sequence change replaces leucine, which is neutral and non-polar, with proline, which is neutral and non-polar, at codon 3448 of the DYNC2H1 protein (p.Leu3448Pro). This variant is present in population databases (rs771487311, gnomAD 0.005%). This missense change has been observed in individual(s) with DYNC2H1-related conditions (PMID: 24183451, 26938784, 29068549). In at least one individual the data is consistent with being in trans (on the opposite chromosome) from a pathogenic variant. ClinVar contains an entry for this variant (Variation ID: 369661). Invitae Evidence Modeling of protein sequence and biophysical properties (such as structural, functional, and spatial information, amino acid conservation, physicochemical variation, residue mobility, and thermodynamic stability) indicates that this missense variant is expected to disrupt DYNC2H1 protein function with a positive predictive value of 95%. For these reasons, this variant has been classified as Pathogenic.

GeneDx
Classification: Likely pathogenic. Last evaluated: 2025-10-21. Review status: criteria provided, single submitter. Criteria: GeneDx Variant Classification Process June 2021. Collection method: clinical testing. Allele origin: germline. Affected: yes.
Comment: Not observed at significant frequency in large population cohorts (gnomAD); In silico analysis supports that this missense variant has a deleterious effect on protein structure/function; This variant is associated with the following publications: (PMID: 34040173, 26938784, 28832562, 24183451, 29068549, 29453417, 36442996, Buchh2023[Abstract], 27535533)

Variantyx, Inc.
Classification: Likely pathogenic for Asphyxiating thoracic dystrophy 3. Last evaluated: 2025-08-12. Review status: criteria provided, single submitter. Criteria: Variantyx Assertion Criteria 2022. Collection method: clinical testing. Allele origin: germline. Inheritance: Autosomal recessive inheritance. Affected: no.
Comment: This is a nonsynonymous variant in the DYNC2H1 gene (OMIM: 603297). Pathogenic variants in this gene have been associated with autosomal recessive short-rib thoracic dysplasia 3 with or without polydactyly. This variant has been identified in the homozygous or compound heterozygous state in at least 5 individuals reported in the published literature (PMID: 29068549, 26938784, 34040173) (PM3). It lies within a known hotspot for pathogenic variants or a well-established critical functional domain of the DYNC2H1 protein (PMID:29068549) (PM1) and multiple computational algorithms predict a deleterious effect for this variant (REVEL score: 0.824) (PP3). This variant has a 0.0107% maximum allele frequency in non-founder control populations (PM2). Based on the current evidence, this variant is classified as likely pathogenic for autosomal recessive short-rib thoracic dysplasia 3 with or without polydactyly.

Victorian Clinical Genetics Services, Murdoch Childrens Research Institute
Classification: Likely pathogenic for Asphyxiating thoracic dystrophy 3. Last evaluated: 2014-07-11. Review status: criteria provided, single submitter. Criteria: ACMG Guidelines, 2015. Collection method: clinical testing. Allele origin: paternal. Inheritance: Autosomal recessive inheritance. Affected: yes. Observed: 2 variant alleles.
Comment: This substitution is predicted to create a change of a leucine to a proline at amino acid position 3448, NP_001073932.1(DYNC2H1): p.Leu3448). The leucine at this position is highly conserved and is located in the ATP-binding dynein motor region D5.Grantham assessment is likely deleterious due to conservation and amino acid properties. In-silico software predicts this variant to be disease-causing. This is a novel variant not present in disease or population databases.

Dan Cohn Lab, University Of California Los Angeles
Classification: Pathogenic for Short-rib thoracic dysplasia 6 with or without polydactyly. Last evaluated: 2017-06-01. Review status: no assertion criteria provided. Collection method: research. Allele origin: maternal. Affected: yes. Not counted in ClinVar's aggregate classification.

Dan Cohn Lab, University Of California Los Angeles
Classification: Pathogenic for Asphyxiating thoracic dystrophy 3. Last evaluated: 2017-06-01. Review status: no assertion criteria provided. Collection method: research. Allele origin: maternal. Affected: yes. Not counted in ClinVar's aggregate classification.

Dan Cohn Lab, University Of California Los Angeles
Classification: Pathogenic for Asphyxiating thoracic dystrophy. Last evaluated: 2017-06-01. Review status: no assertion criteria provided. Collection method: research. Allele origin: paternal. Affected: yes. Not counted in ClinVar's aggregate classification.

University of Washington Center for Mendelian Genomics, University of Washington
Classification: Likely pathogenic for asphyxiating thoracic dystrophy. Review status: no assertion criteria provided. Collection method: research. Allele origin: inherited. Affected: yes. Not counted in ClinVar's aggregate classification.

University of Washington Center for Mendelian Genomics, University of Washington
Classification: Likely pathogenic for short-rib polydactyly syndrome type II. Review status: no assertion criteria provided. Collection method: research. Allele origin: inherited. Affected: yes. Not counted in ClinVar's aggregate classification.

University of Washington Center for Mendelian Genomics, University of Washington
Classification: Likely pathogenic for Asphyxiating thoracic dystrophy 3. Review status: no assertion criteria provided. Collection method: research. Allele origin: inherited. Affected: yes. Not counted in ClinVar's aggregate classification.

Greenwood Genetic Center Diagnostic Laboratories, Greenwood Genetic Center
Classification: Uncertain significance. Last evaluated: 2021-02-17. Review status: flagged submission. Criteria: ACMG Guidelines, 2015. Collection method: clinical testing. Allele origin: germline. Affected: yes. Not counted in ClinVar's aggregate classification.
Comment: PM2
ClinVar note: Reason: Outlier claim with insufficient supporting evidence

Joint Genome Diagnostic Labs from Nijmegen and Maastricht, Radboudumc and MUMC+
Classification: Uncertain significance for Asphyxiating thoracic dystrophy 3. Review status: flagged submission. Collection method: research. Allele origin: inherited. Affected: yes. Not counted in ClinVar's aggregate classification.
ClinVar note: Reason: Outlier claim with insufficient supporting evidence

Literature cited by the submitters: PubMed 24183451 (cited by Labcorp Genetics (formerly Invitae), Labcorp); PubMed 26938784 (cited by 3 submitters); PubMed 29068549 (cited by 4 submitters); PubMed 34040173 (cited by Variantyx, Inc.).

NM_001377.3(DYNC2H1):c.10322T>C (p.Leu3441Pro)

Gene: DYNC2H1 (dynein cytoplasmic 2 heavy chain 1; plus strand). Cytogenetic location: 11q22.3.
Variant type: single nucleotide variant.
Coding change: c.10322T>C on transcript NM_001377.3 (MANE Select); coding-DNA position 10322, T replaced by C.
Protein change: p.Leu3441Pro; replaces leucine 3441 with proline.
Molecular consequence: missense variant.
Genome position (GRCh38, 1-based): chr11:103,255,530, T>C. VCF-style: chr11-103255530-T-C. GRCh37 (hg19) VCF-style: chr11-103126259-T-C.
Other names: c.10343T>C, p.Leu3448Pro (NM_001080463.2); short protein forms L3448P, L3441P.
Identifiers: ClinVar variation 369661 (VCV000369661.19), dbSNP rs771487311, ClinGen allele CA6254944.